The following is an entry in ClinVar:

NM_000388.4(CASR):c.1619C>T (p.Ser540Phe)

Gene: CASR (calcium sensing receptor; plus strand). Cytogenetic location: 3q21.1.
Variant type: single nucleotide variant.
Coding change: c.1619C>T on transcript NM_000388.4 (MANE Select); coding-DNA position 1619, C replaced by T.
Protein change: p.Ser540Phe; replaces serine 540 with phenylalanine.
Molecular consequence: missense variant.
Genome position (GRCh38, 1-based): chr3:122,282,123, C>T. VCF-style: chr3-122282123-C-T. GRCh37 (hg19) VCF-style: chr3-122000970-C-T.
Other names: c.1649C>T, p.Ser550Phe (NM_001178065.2); short protein forms S540F, S550F.
Identifiers: ClinVar variation 373422 (VCV000373422.8), dbSNP rs1057518409, ClinGen allele CA16042450.

ClinVar aggregate classification (germline): Uncertain significance. Review status: criteria provided, multiple submitters, no conflicts (2 of 4 stars). 3 submissions from 3 submitters: Uncertain significance (3). Last evaluated 2023-09-28.

Conditions:
Familial hypocalciuric hypercalcemia (FHH). Also called: Familial benign hypercalcemia. Identifiers: Orphanet 405, MedGen C1809471, MONDO:0018458.
Autosomal dominant hypocalcemia 1 (HYPOC1). Also called: HYPOCALCEMIA, FAMILIAL. Identifiers: MedGen C3715128, MONDO:0011013, OMIM 601198.

Submissions (3):

Women's Health and Genetics/Laboratory Corporation of America, LabCorp
Classification: Uncertain significance. Last evaluated: 2023-09-28. Review status: criteria provided, single submitter. Criteria: LabCorp Variant Classification Summary - May 2015. Collection method: clinical testing. Allele origin: germline.
Comment: Variant summary: CASR c.1619C>T (p.Ser540Phe) results in a non-conservative amino acid change located in the GPCR, family 3, nine cysteines domain (IPR011500) of the encoded protein sequence. Five of five in-silico tools predict a damaging effect of the variant on protein function. The variant was absent in 251490 control chromosomes (gnomAD). The available data on variant occurrences in the general population are insufficient to allow any conclusion about variant significance. To our knowledge, no occurrence of c.1619C>T in individuals affected with Familial Hypocalciuric Hypercalcemia and no experimental evidence demonstrating its impact on protein function have been reported. In the Human Gene Mutation Database (HGMD), there are several other missense variants (p.C542R, p.R544Q, p.C546G) affecting the nearby codons have been reported in association with Hypocalciuric Hypercalcaemia, suggesting the functional significance of this region. One ClinVar submitter (evaluation after 2014) cites the variant as uncertain significance. Based on the evidence outlined above, the variant was classified as uncertain significance.

Labcorp Genetics (formerly Invitae), Labcorp
Classification: Uncertain significance for Familial hypocalciuric hypercalcemia; Autosomal dominant hypocalcemia 1. Last evaluated: 2022-01-15. Review status: criteria provided, single submitter. Criteria: Invitae Variant Classification Sherloc (09022015). Collection method: clinical testing. Allele origin: germline.
Comment: In summary, the available evidence is currently insufficient to determine the role of this variant in disease. Therefore, it has been classified as a Variant of Uncertain Significance. Algorithms developed to predict the effect of missense changes on protein structure and function (SIFT, PolyPhen-2, Align-GVGD) all suggest that this variant is likely to be disruptive. ClinVar contains an entry for this variant (Variation ID: 373422). This variant has not been reported in the literature in individuals affected with CASR-related conditions. This variant is not present in population databases (gnomAD no frequency). This sequence change replaces serine, which is neutral and polar, with phenylalanine, which is neutral and non-polar, at codon 540 of the CASR protein (p.Ser540Phe).

GeneDx
Classification: Uncertain significance. Last evaluated: 2016-11-15. Review status: criteria provided, single submitter. Criteria: GeneDx Variant Classification (06012015). Collection method: clinical testing. Allele origin: germline. Affected: yes.
Comment: A variant of uncertain significance has been identified in the CASR gene. The S540F variant has not been published as a pathogenic variant, nor has it been reported as a benign variant to our knowledge. It was not observed in approximately 6,500 individuals of European and African American ancestry in the NHLBI Exome Sequencing Project, indicating it is not a common benign variant in these populations. S540F is a non-conservative amino acid substitution, which is likely to impact secondary protein structure as these residues differ in polarity, charge, size and/or other properties. This substitution occurs at a position that is conserved across species and in silico analysis predicts this variant is probably damaging to the protein structure/function. Missense variants in nearby residues (E536D, C542R) have been reported in the Human Gene Mutation Database in association with hypocalciuric hypercalcemia (Stenson et al., 2014), supporting the functional importance of this region of the protein. However, based on the currently available information, it is unclear whether this variant is a pathogenic variant or a rare benign variant.